The following is an entry in ClinVar:

ClinVar aggregate classification (germline): Uncertain significance (1 of 4 stars; one submission).

Conditions:
Cardiovascular phenotype. Identifiers: MedGen CN230736.

Allele frequency attached by ClinVar (database versions not stated): TOPMed below 0.00001; gnomAD exomes 0.00001; ExAC 0.00002.

Submission:

Ambry Genetics
Classification: Uncertain significance for Cardiovascular phenotype. Last evaluated: 2023-12-29. Review status: criteria provided, single submitter. Criteria: Ambry Variant Classification Scheme 2023. Collection method: clinical testing. Allele origin: germline.
Comment: The p.S287R variant (also known as c.861C>G), located in coding exon 4 of the SNTA1 gene, results from a C to G substitution at nucleotide position 861. The serine at codon 287 is replaced by arginine, an amino acid with dissimilar properties. This amino acid position is not well conserved in available vertebrate species. In addition, this alteration is predicted to be tolerated by in silico analysis. The evidence for this gene-disease relationship is limited; therefore, the clinical significance of this alteration is unclear.

NM_003098.3(SNTA1):c.861C>G (p.Ser287Arg)

Gene: SNTA1 (syntrophin alpha 1; minus strand). Cytogenetic location: 20q11.21.
Variant type: single nucleotide variant.
Coding change: c.861C>G on transcript NM_003098.3 (MANE Select); coding-DNA position 861, C replaced by G.
Protein change: p.Ser287Arg; replaces serine 287 with arginine.
Molecular consequence: missense variant.
Genome position (GRCh38, 1-based): chr20:33,412,623, G>C on the plus strand (C>G on the coding strand, the complement: SNTA1 is on the minus strand). VCF-style: chr20-33412623-G-C. GRCh37 (hg19) VCF-style: chr20-32000429-G-C.
Other names: c.861C>G, p.Ser287Arg (NM_001424413.1, NM_001424414.1); short protein forms S287R.
Identifiers: ClinVar variation 3223124 (VCV003223124.1), dbSNP rs755952317, ClinGen allele CA9817120.